The following is an entry in ClinVar:

ClinVar aggregate classification (germline): Likely benign. Review status: criteria provided, multiple submitters, no conflicts (2 of 4 stars). 2 submissions from 2 submitters: Likely benign (2). Last evaluated 2023-07-28.

Allele frequency attached by ClinVar (database versions not stated): TOPMed below 0.00001; gnomAD 0.00001; gnomAD exomes 0.00001.
gnomAD v4.1: 19 of 1,209,848 alleles (0.0016%); highest among the groups gnomAD compares: Middle Eastern, 0.046%; no homozygotes.

Submissions (2):

Blueprint Genetics
Classification: Likely benign. Last evaluated: 2023-07-28. Review status: criteria provided, single submitter. Criteria: ACMG Guidelines, 2015. Collection method: clinical testing. Allele origin: germline.

CeGaT Center for Human Genetics Tuebingen
Classification: Likely benign. Last evaluated: 2022-08-01. Review status: criteria provided, single submitter. Criteria: CeGaT Center For Human Genetics Tuebingen Variant Classification Criteria Version 2. Collection method: clinical testing. Allele origin: germline. Affected: yes. Observed: 1 variant allele.
Comment: DCX: BP4, BP7

NM_001195553.2(DCX):c.606G>A (p.Lys202=)

Gene: DCX (doublecortin; minus strand). Cytogenetic location: Xq23.
Variant type: single nucleotide variant.
Coding change: c.606G>A on transcript NM_001195553.2 (MANE Select); coding-DNA position 606, G replaced by A.
Protein change: p.Lys202=; no amino-acid change (lysine 202 retained).
Molecular consequence: synonymous variant.
Genome position (GRCh38, 1-based): chrX:111,401,089, C>T on the plus strand (G>A on the coding strand, the complement: DCX is on the minus strand). VCF-style: chrX-111401089-C-T. GRCh37 (hg19) VCF-style: chrX-110644317-C-T.
Other names: c.849G>A, p.Lys283= (NM_000555.3); c.606G>A, p.Lys202= (NM_001369370.1, NM_001369371.1, NM_001369372.1 and 6 more transcripts).
Identifiers: ClinVar variation 2661205 (VCV002661205.25), dbSNP rs974830548, ClinGen allele CA334420246.